The following is an entry in ClinVar:

NM_032043.3(BRIP1):c.246A>G (p.Val82=)

Gene: BRIP1 (BRCA1 interacting DNA helicase 1; minus strand). Cytogenetic location: 17q23.2.
Variant type: single nucleotide variant.
Coding change: c.246A>G on transcript NM_032043.3 (MANE Select); coding-DNA position 246, A replaced by G.
Protein change: p.Val82=; no amino-acid change (valine 82 retained).
Molecular consequence: synonymous variant.
Genome position (GRCh38, 1-based): chr17:61,857,191, T>C on the plus strand (A>G on the coding strand, the complement: BRIP1 is on the minus strand). VCF-style: chr17-61857191-T-C. GRCh37 (hg19) VCF-style: chr17-59934552-T-C.
Identifiers: ClinVar variation 220804 (VCV000220804.18), dbSNP rs864622659, ClinGen allele CA348954.
Genomic context (GRCh38, chr17:61,857,191, plus strand): 5'-TTGGTTCATGTCATTGTTTGTAAAATCCTTTGAATGGCATGCACAACAACATGACAATTG[T>C]ACTTCAGCTTTTTCACTTACGCCCTCATCTGCTGGTTTCCCTAAAAATGAAAGAACATCT-3'
Protein context (NP_114432.2, residues 72-92): ADEGVSEKAE[Val82=]QLSCCCACHS

ClinVar aggregate classification (germline): Benign/Likely benign. Review status: criteria provided, multiple submitters, no conflicts (2 of 4 stars). 4 submissions from 4 submitters: Benign (1); Likely benign (3). Last evaluated 2024-09-21.

Conditions:
Hereditary cancer-predisposing syndrome. Also called: Tumor predisposition; Hereditary neoplastic syndrome; Neoplastic Syndromes, Hereditary; Hereditary Cancer Syndrome. Identifiers: Orphanet 140162, MedGen C0027672, MeSH D009386, MONDO:0015356.
Fanconi anemia complementation group J. Also called: BRIP1-Related Fanconi Anemia. Identifiers: Orphanet 84, MedGen C1836860, MONDO:0012187, OMIM 609054.
Familial cancer of breast. Also called: hereditary breast carcinoma; Hereditary breast cancer; BREAST CANCER, FAMILIAL. Identifiers: Orphanet 227535, MedGen C0346153, MONDO:0016419, OMIM 114480. Disease mechanism: loss of function.

Allele frequency attached by ClinVar (database versions not stated): gnomAD exomes below 0.00001; TOPMed 0.00001.
gnomAD v4.1: 1 of 1,614,106 alleles (0.000062%); highest among the groups gnomAD compares: Non-Finnish European, 0.000085%; no homozygotes.

Submissions (4):

Labcorp Genetics (formerly Invitae), Labcorp
Classification: Likely benign for Familial cancer of breast; Fanconi anemia complementation group J. Last evaluated: 2024-09-21. Review status: criteria provided, single submitter. Criteria: Invitae Variant Classification Sherloc (09022015). Collection method: clinical testing. Allele origin: germline.

Myriad Genetics, Inc.
Classification: Benign for Familial cancer of breast. Last evaluated: 2024-08-09. Review status: criteria provided, single submitter. Criteria: Myriad Autosomal Dominant, Autosomal Recessive and X-Linked Classification Criteria (2023). Collection method: clinical testing. Allele origin: unknown.
Comment: This variant is considered benign. This variant is a silent/synonymous amino acid change and it is not expected to impact splicing.

Color Diagnostics, LLC DBA Color Health
Classification: Likely benign for Hereditary cancer-predisposing syndrome. Last evaluated: 2017-07-20. Review status: criteria provided, single submitter. Criteria: ACMG Guidelines, 2015. Collection method: clinical testing. Allele origin: germline.

Ambry Genetics
Classification: Likely benign for Hereditary cancer-predisposing syndrome. Last evaluated: 2016-08-19. Review status: criteria provided, single submitter. Criteria: Ambry Variant Classification Scheme 2023. Collection method: clinical testing. Allele origin: germline.